The following is an entry in ClinVar:

ClinVar aggregate classification (germline): Likely pathogenic. Review status: criteria provided, multiple submitters, no conflicts (2 of 4 stars). 2 submissions from 2 submitters: Likely pathogenic (2). Last evaluated 2025-01-26.

Conditions:
Dilated cardiomyopathy 1G (CMD1G). Identifiers: Orphanet 154, MedGen C1858763, MONDO:0011400, OMIM 604145.
Autosomal recessive limb-girdle muscular dystrophy type 2J (LGMDR10). Also called: Limb-girdle muscular dystrophy, type 2J; MUSCULAR DYSTROPHY, LIMB-GIRDLE, AUTOSOMAL RECESSIVE 10. Identifiers: Orphanet 140922, MedGen C1837342, MONDO:0012127, OMIM 608807.
Primary dilated cardiomyopathy (DCM). Also called: Dilated Cardiomyopathy. Identifiers: Orphanet 217604, MedGen C0007193, MeSH D002311, MONDO:0005021, HP:0001644. Inheritance: Various modes of inheritance.

Allele frequency attached by ClinVar (database versions not stated): gnomAD 0.00001.
gnomAD v4.1: 1 of 1,612,422 alleles (0.000062%); highest among the groups gnomAD compares: African/African-American, 0.0013%; no homozygotes.

Submissions (2):

Labcorp Genetics (formerly Invitae), Labcorp
Classification: Likely pathogenic for Dilated cardiomyopathy 1G; Autosomal recessive limb-girdle muscular dystrophy type 2J. Last evaluated: 2025-01-26. Review status: criteria provided, single submitter. Criteria: Invitae Variant Classification Sherloc (09022015). Collection method: clinical testing. Allele origin: germline.
Comment: This sequence change creates a premature translational stop signal (p.Trp16176*) in the TTN gene. While this is not anticipated to result in nonsense mediated decay, it is expected to create a truncated TTN protein. This variant is not present in population databases (gnomAD no frequency). This premature translational stop signal has been observed in individual(s) with dilated cardiomyopathy (PMID: 25589632, 31983221, 37652022). ClinVar contains an entry for this variant (Variation ID: 223279). Algorithms developed to predict the effect of sequence changes on RNA splicing suggest that this variant may disrupt the consensus splice site. This variant is located in the A band of TTN (PMID: 25589632). Truncating variants in this region are significantly overrepresented in patients affected with dilated cardiomyopathy (PMID: 25589632). Truncating variants in this region have also been reported in individuals affected with autosomal recessive centronuclear myopathy (PMID: 23975875). In summary, the currently available evidence indicates that the variant is pathogenic, but additional data are needed to prove that conclusively. Therefore, this variant has been classified as Likely Pathogenic.

Cardiovascular Biomedical Research Unit, Royal Brompton & Harefield NHS Foundation Trust
Classification: Likely pathogenic for Primary dilated cardiomyopathy. Last evaluated: 2014-10-08. Review status: criteria provided, single submitter. Criteria: Roberts et al. 2015. Collection method: research. Allele origin: germline. Inheritance: Autosomal dominant inheritance. Affected: yes. Observed: 1 variant allele. Study: Unselected DCM.
Comment: In the seven cohorts assessed, TTNtv were found in 14% of ambulant DCM, 22% end-stage or familial DCM, and 2% controls. Heterozygous nonsense, frameshift and canonical splice-disrupting variants found in constitutive and other highly utilised exons are highly likely to be pathogenic when identified in individuals with phenotypically confirmed DCM. TTNtv found incidentally in healthy individuals (excluding familial assessment of DCM relatives) are thought to have low penetrance, particularly when identified in exons that are not constitutively expressed in the heart.

Literature cited by the submitters: PubMed 25589632 (cited by Labcorp Genetics (formerly Invitae), Labcorp); PubMed 31983221 (cited by Labcorp Genetics (formerly Invitae), Labcorp); PubMed 37652022 (cited by Labcorp Genetics (formerly Invitae), Labcorp); PubMed 23975875 (cited by Labcorp Genetics (formerly Invitae), Labcorp).

NM_001267550.2(TTN):c.48527G>A (p.Trp16176Ter)

Genes: TTN (titin; minus strand), TTN-AS1 (TTN antisense RNA 1; plus strand). Cytogenetic location: 2q31.2.
Variant type: single nucleotide variant.
Coding change: c.48527G>A on transcript NM_001267550.2 (MANE Select); coding-DNA position 48527, G replaced by A.
Protein change: p.Trp16176Ter; replaces tryptophan 16176 with a stop codon.
Molecular consequence: nonsense.
Genome position (GRCh38, 1-based): chr2:178,615,418, C>T on the plus strand (G>A on the coding strand, the complement: TTN is on the minus strand). VCF-style: chr2-178615418-C-T. GRCh37 (hg19) VCF-style: chr2-179480145-C-T.
Other names: c.43604G>A, p.Trp14535Ter (NM_001256850.1); c.21332G>A, p.Trp7111Ter (NM_003319.4); c.40823G>A, p.Trp13608Ter (NM_133378.4); c.21707G>A, p.Trp7236Ter (NM_133432.3); c.21908G>A, p.Trp7303Ter (NM_133437.4); c.48527G>A (LRG_391t1); short protein forms W16176*, W13608*, W14535*, W7236*, W7303*, W7111*.
Identifiers: ClinVar variation 223279 (VCV000223279.6), dbSNP rs869312048, ClinGen allele CA353382.